The following is an entry in ClinVar:

ClinVar aggregate classification (germline): Uncertain significance (1 of 4 stars; one submission).

Conditions:
NBEAL2-related disorder. Also called: NBEAL2-related condition.

gnomAD v4.1: 4 of 1,613,676 alleles (0.00025%); highest among the groups gnomAD compares: Admixed American, 0.0033%; no homozygotes.

Submission:

PreventionGenetics, part of Exact Sciences
Classification: Uncertain significance for NBEAL2-related condition. Last evaluated: 2023-02-08. Review status: criteria provided, single submitter. Criteria: ACMG Guidelines, 2015. Collection method: clinical testing. Allele origin: germline.
Comment: The NBEAL2 c.6262C>T variant is predicted to result in the amino acid substitution p.Arg2088Trp. To our knowledge, this variant has not been reported in the literature. This variant is reported in 0.0028% of alleles in individuals of Latino descent in gnomAD. At this time, the clinical significance of this variant is uncertain due to the absence of conclusive functional and genetic evidence.

NM_015175.3(NBEAL2):c.6262C>T (p.Arg2088Trp)

Gene: NBEAL2 (neurobeachin like 2; plus strand). Cytogenetic location: 3p21.31.
Variant type: single nucleotide variant.
Coding change: c.6262C>T on transcript NM_015175.3 (MANE Select); coding-DNA position 6262, C replaced by T.
Protein change: p.Arg2088Trp; replaces arginine 2088 with tryptophan.
Molecular consequence: missense variant.
Genome position (GRCh38, 1-based): chr3:47,004,558, C>T. VCF-style: chr3-47004558-C-T. GRCh37 (hg19) VCF-style: chr3-47046048-C-T.
Other names: c.6160C>T, p.Arg2054Trp (NM_001365116.2); short protein forms R2054W, R2088W.
Identifiers: ClinVar variation 2630203 (VCV002630203.1), dbSNP rs762392684, ClinGen allele CA352530425.